The following is an entry in ClinVar:

ClinVar aggregate classification (germline): Uncertain significance (1 of 4 stars; one submission).

Submission:

Labcorp Genetics (formerly Invitae), Labcorp
Classification: Uncertain significance. Last evaluated: 2024-05-02. Review status: criteria provided, single submitter. Criteria: Invitae Variant Classification Sherloc (09022015). Collection method: clinical testing. Allele origin: germline.
Comment: This sequence change replaces lysine, which is basic and polar, with asparagine, which is neutral and polar, at codon 497 of the MECOM protein (p.Lys497Asn). This variant is not present in population databases (gnomAD no frequency). This variant has not been reported in the literature in individuals affected with MECOM-related conditions. An algorithm developed to predict the effect of missense changes on protein structure and function (PolyPhen-2) suggests that this variant is likely to be disruptive. In summary, the available evidence is currently insufficient to determine the role of this variant in disease. Therefore, it has been classified as a Variant of Uncertain Significance.

NM_004991.4(MECOM):c.2055A>C (p.Lys685Asn)

Gene: MECOM (MDS1 and EVI1 complex locus; minus strand). Cytogenetic location: 3q26.2.
Variant type: single nucleotide variant.
Coding change: c.2055A>C on transcript NM_004991.4 (MANE Select); coding-DNA position 2055, A replaced by C.
Protein change: p.Lys685Asn; replaces lysine 685 with asparagine.
Molecular consequence: missense variant. On other transcripts: intron variant (2).
Genome position (GRCh38, 1-based): chr3:169,115,817, T>G on the plus strand (A>C on the coding strand, the complement: MECOM is on the minus strand). VCF-style: chr3-169115817-T-G. GRCh37 (hg19) VCF-style: chr3-168833605-T-G.
Other names: c.1686A>C, p.Lys562Asn (NM_001105077.4); c.1491A>C, p.Lys497Asn (NM_001105078.4, NM_001164000.2, NM_001205194.2 and 4 more transcripts); c.1494A>C, p.Lys498Asn (NM_001163999.2, NM_001366467.2, NM_001366468.2 and 1 more transcripts); c.2055A>C, p.Lys685Asn (NM_001366466.2); c.1133-50A>C (NM_001366473.2); c.569-50A>C (NM_001366474.2); short protein forms K685N, K497N, K562N, K498N.
Identifiers: ClinVar variation 3690324 (VCV003690324.2).